The following continues an entry in ClinVar:

NM_001005242.3(PKP2):c.184C>A (p.Gln62Lys)

Gene: PKP2. ClinVar aggregate classification (germline): Conflicting classifications of pathogenicity. Uncertain significance (14); Likely benign (3).

Submissions 9 to 21 of 21:

ARUP Laboratories, Molecular Genetics and Genomics, ARUP Laboratories
Classification: Uncertain significance for Arrhythmogenic right ventricular dysplasia 9. Last evaluated: 2022-04-21. Review status: criteria provided, single submitter. Criteria: ARUP Molecular Germline Variant Investigation Process 2021. Collection method: clinical testing. Allele origin: germline.
Comment: The PKP2 c.184C>A; p.Gln62Lys variant (rs199601548) variant has been published in multiple unrelated individuals affected with arrhythmogenic right ventricular dysplasia or cardiomyopathy (Bauce 2010, Cerrone 2014, Christensen 2009, Garcia-Pavia 2011, Lahtinen 2011, Sanchez 2016). However, segregation studies demonstrate this variant has been detected in unaffected individuals and failed to segregate with ARVC in at least one family (Bauce 2010, Christensen 2010). Additionally, this variant was detected on the opposite chromosome from a loss of function PKP2 variant in an affected family (Bauce 2010). The variant is reported in the ClinVar database (Variation ID: 161332) and is found in the non-Finnish European population with an allele frequency of 0.029% (33/112,560 alleles) in the Genome Aggregation Database. The glutamine at codon 62 is moderately conserved, but computational analyses are uncertain whether this variant is neutral or deleterious (REVEL: 0.441). Functional studies show this variant disrupted interactions with desmoplakin and decreased function (Cerrone 2014, Hall 2009). Due to conflicting information, the clinical significance of the p.Gln62Lys variant is uncertain at this time. References: Bauce B et al. Multiple mutations in desmosomal proteins encoding genes in arrhythmogenic right ventricular cardiomyopathy/dysplasia. Heart Rhythm. 2010 Jan;7(1):22-9. PMID: 20129281. Cerrone M et al. Missense mutations in plakophilin-2 cause sodium current deficit and associate with a Brugada syndrome phenotype. Circulation. 2014 Mar 11;129(10):1092-103. PMID: 24352520. Christensen AH et al. Missense variants in plakophilin-2 in arrhythmogenic right ventricular cardiomyopathy patients--disease-causing or innocent bystanders? Cardiology. 2010;115(2):148-54. PMID: 19955750. Garcia-Pavia P et al. Desmosomal protein gene mutations in patients with idiopathic dilated cardiomyopathy undergoing cardiac transplantation: a clinicopathological study. Heart. 2011 Nov;97(21):1744-52. PMID: 21859740. Hall C et al. Arrhythmogenic right ventricular cardiomyopathy plakophilin-2 mutations disrupt desmosome assembly and stability. Cell Commun Adhes. 2009;16(1-3):15-27. PMID: 19533476. Lahtinen AM et al. Population-prevalent desmosomal mutations predisposing to arrhythmogenic right ventricular cardiomyopathy. Heart Rhythm. 2011 Aug;8(8):1214-21. PMID: 21397041. Sanchez O et al. Natural and Undetermined Sudden Death: Value of Post-Mortem Genetic Investigation. PLoS One. 2016 Dec 8;11(12):e0167358. PMID: 27930701.

Center for Genomics, Ann and Robert H. Lurie Children's Hospital of Chicago
Classification: Uncertain significance for Arrhythmogenic right ventricular dysplasia 9. Last evaluated: 2021-03-30. Review status: criteria provided, single submitter. Criteria: ACMG Guidelines, 2015. Collection method: clinical testing. Allele origin: germline.
Comment: PKP2 NM_004572.3 exon 1 p.Gln62Lys (c.184C>A): This variant has been reported in the literature in at least 6 individuals with ARVC, at least two of which also carried additional disease-causing cardiogenetic variants (van Tintelen 2006 PMID:16567567, Lahtinen 2008 PMID:17521752, Fidler 2009 PMID:18662195, Bauce 2010 PMID:20129281, Christensen 2010 PMID:19955750). Segregation of this variant within families is inconclusive; the variant has been shown to segregate with disease is a small number of families but did not segregate with disease in others (Lahtinen 2008 PMID:17521752, Bauce 2010 PMID:20129281. Christensen 2010 PMID:19955750). This variant has also been reported in an individual with DCM, in an individual with Brugada syndrome, and in a sudden death case (Garcia-Pavia 2011 PMID:21859740, Cerrone 2014 PMID:24352520, Christiansen 2016 PMID:27650956). This variant is present in 0.02% (33/112560) of European alleles in the Genome Aggregation Database and is present in ClinVar (Variation ID:161332). Evolutionary conservation and computational predictive tools for this variant are unclear. In vitro studies have shown subcellular localization of this mutant protein similar to wildtype protein, but functional studies have demonstrated abnormal interaction of the protein with desmoplakin and decreased sodium currents, suggesting that this variant may impact the protein (Fidler 2009 PMID:18662195, Hall 2009 PMID:19533476, Cerrone 2014 PMID:24352520). However, these studies may not accurately represent in vivo biological function. In summary, data on this variant is insufficient for disease classification. Therefore, the clinical significance of this variant is uncertain.

CeGaT Center for Human Genetics Tuebingen
Classification: Uncertain significance. Last evaluated: 2020-12-01. Review status: criteria provided, single submitter. Criteria: CeGaT Center For Human Genetics Tuebingen Variant Classification Criteria Version 2. Collection method: clinical testing. Allele origin: germline. Affected: yes. Observed: 1 variant allele.

Color Diagnostics, LLC DBA Color Health
Classification: Likely benign for Cardiomyopathy. Last evaluated: 2019-11-12. Review status: criteria provided, single submitter. Criteria: ACMG Guidelines, 2015. Collection method: clinical testing. Allele origin: germline.

Illumina Laboratory Services, Illumina
Classification: Uncertain significance for Arrhythmogenic right ventricular dysplasia 9. Last evaluated: 2019-09-17. Review status: criteria provided, single submitter. Criteria: ICSL Variant Classification Criteria 13 December 2019. Collection method: clinical testing. Allele origin: germline.
Comment: This variant was observed as part of a predisposition screen in an ostensibly healthy population. A literature search was performed for the gene, cDNA change, and amino acid change (where applicable). Publications were found based on this search. However, the evidence from the literature, in combination with allele frequency data from public databases where available, was not sufficient to rule this variant in or out of causing disease. Therefore, this variant is classified as a variant of unknown significance.

SIB Swiss Institute of Bioinformatics
Classification: Uncertain significance for Arrhythmogenic right ventricular dysplasia 9. Last evaluated: 2018-05-31. Review status: criteria provided, single submitter. Criteria: ACMG Guidelines, 2015. Collection method: curation. Allele origin: unknown.
Comment: This variant is interpreted as a Uncertain Significance - Insufficient Evidence, for Arrhythmogenic right ventricular dysplasia 9, in Autosomal Dominant manner. The following ACMG Tag(s) were applied: PM2-Supporting => PM2 downgraded in strength to Supporting . PS3-Supporting => PS3 downgraded in strength to Supporting (PMID:19533476).

CHEO Genetics Diagnostic Laboratory, Children's Hospital of Eastern Ontario
Classification: Uncertain significance for Cardiomyopathy. Last evaluated: 2018-04-18. Review status: criteria provided, single submitter. Criteria: ACMG Guidelines, 2015. Collection method: clinical testing. Allele origin: germline.

Genome Diagnostics Laboratory, University Medical Center Utrecht
Classification: Uncertain significance for Arrhythmogenic right ventricular dysplasia 9. Last evaluated: 2017-07-19. Review status: criteria provided, single submitter. Criteria: ACGS Guidelines, 2013. Collection method: clinical testing. Allele origin: germline. Affected: yes. Study: VKGL Data-share Consensus.

Clinical Genetics DNA and cytogenetics Diagnostics Lab, Erasmus MC, Erasmus Medical Center
Classification: Uncertain significance for Arrhythmogenic right ventricular dysplasia 9. Last evaluated: 2017-05-31. Review status: criteria provided, single submitter. Criteria: ACGS Guidelines, 2013. Collection method: clinical testing. Allele origin: germline. Affected: yes. Study: VKGL Data-share Consensus.

CSER _CC_NCGL, University of Washington
Classification: Uncertain significance for Arrhythmogenic right ventricular dysplasia. Last evaluated: 2014-06-01. Review status: no assertion criteria provided. Collection method: research. Allele origin: germline. Inheritance: Autosomal dominant inheritance. Study: ESP 6500 variant annotation. Not counted in ClinVar's aggregate classification.
Comment: Variants classified for the Actionable exomic incidental findings in 6503 participants: challenges of variant classification manuscript

Clinical Genetics, Academic Medical Center
Classification: Uncertain significance. Review status: no assertion criteria provided. Collection method: clinical testing. Allele origin: germline. Affected: yes. Study: VKGL Data-share Consensus. Not counted in ClinVar's aggregate classification.

Diagnostic Laboratory, Department of Genetics, University Medical Center Groningen
Classification: Uncertain significance for Arrhythmogenic right ventricular dysplasia 9. Review status: no assertion criteria provided. Collection method: clinical testing. Allele origin: germline. Affected: yes. Study: VKGL Data-share Consensus. Not counted in ClinVar's aggregate classification.

Joint Genome Diagnostic Labs from Nijmegen and Maastricht, Radboudumc and MUMC+
Classification: Uncertain significance. Review status: no assertion criteria provided. Collection method: clinical testing. Allele origin: germline. Affected: yes. Study: VKGL Data-share Consensus. Not counted in ClinVar's aggregate classification.

Literature cited by the submitters: PubMed 16567567 (cited by 3 submitters); PubMed 17521752 (cited by 3 submitters); PubMed 18662195 (cited by Ambry Genetics and Mayo Clinic Laboratories, Mayo Clinic); PubMed 19533476 (cited by 4 submitters); PubMed 19955750 (cited by 4 submitters); PubMed 20129281 (cited by 4 submitters); PubMed 21397041 (cited by 4 submitters); PubMed 21859740 (cited by 3 submitters); PubMed 23299917 (cited by Ambry Genetics); PubMed 24352520 (cited by 4 submitters); PubMed 24618965 (cited by Ambry Genetics); PubMed 25637381 (cited by Ambry Genetics); PubMed 26138720 (cited by Ambry Genetics and Mayo Clinic Laboratories, Mayo Clinic); PubMed 27650965 (cited by Ambry Genetics and Mayo Clinic Laboratories, Mayo Clinic); PubMed 28166282 (cited by Ambry Genetics); PubMed 36178741 (cited by 3 submitters); PubMed 38540378 (cited by Ambry Genetics); PubMed 27930701 (cited by Women's Health and Genetics/Laboratory Corporation of America, LabCorp and Mayo Clinic Laboratories, Mayo Clinic); PubMed 20152563 (cited by Mayo Clinic Laboratories, Mayo Clinic); PubMed 23651034 (cited by Mayo Clinic Laboratories, Mayo Clinic); PubMed 24070718 (cited by Mayo Clinic Laboratories, Mayo Clinic); PubMed 25608792 (cited by Mayo Clinic Laboratories, Mayo Clinic); PubMed 26718681 (cited by Mayo Clinic Laboratories, Mayo Clinic); PubMed 29456632 (cited by Mayo Clinic Laboratories, Mayo Clinic); PubMed 30764827 (cited by Mayo Clinic Laboratories, Mayo Clinic); PubMed 30765282 (cited by Mayo Clinic Laboratories, Mayo Clinic); PubMed 30847666 (cited by Mayo Clinic Laboratories, Mayo Clinic); PubMed 31118017 (cited by Mayo Clinic Laboratories, Mayo Clinic); PubMed 31737537 (cited by Mayo Clinic Laboratories, Mayo Clinic); PubMed 32880476 (cited by Mayo Clinic Laboratories, Mayo Clinic); PubMed 25676813 (cited by Illumina Laboratory Services, Illumina); PubMed 19569224 (cited by Illumina Laboratory Services, Illumina).